The following is an entry in ClinVar:

NM_020937.4(FANCM):c.5044G>T (p.Asp1682Tyr)

Gene: FANCM (FA complementation group M; plus strand). Cytogenetic location: 14q21.2.
Variant type: single nucleotide variant.
Coding change: c.5044G>T on transcript NM_020937.4 (MANE Select); coding-DNA position 5044, G replaced by T.
Protein change: p.Asp1682Tyr; replaces aspartic acid 1682 with tyrosine.
Molecular consequence: missense variant.
Genome position (GRCh38, 1-based): chr14:45,189,066, G>T. VCF-style: chr14-45189066-G-T. GRCh37 (hg19) VCF-style: chr14-45658269-G-T.
Other names: c.4966G>T, p.Asp1656Tyr (NM_001308133.2); short protein forms D1656Y, D1682Y.
Identifiers: ClinVar variation 3848738 (VCV003848738.1).
Genomic context (GRCh38, chr14:45,189,066, plus strand): 5'-AAGAAATTATCCAGAATTATTTTACCAGATGATTCAAGTGAGGAGGAGAACAATGTAAAT[G>T]ATAAAAGAGAATCTAATATTGCGGTTAACCCAAGCACTGTTAAGAAGAACAAACAACAGG-3'
Protein context (NP_065988.1, residues 1672-1692): DSSEEENNVN[Asp1682Tyr]KRESNIAVNP

ClinVar aggregate classification (germline): Uncertain significance (1 of 4 stars; one submission).

Conditions:
Inborn genetic diseases. Identifiers: MedGen C0950123, MeSH D030342.

gnomAD v4.1: 4 of 1,614,156 alleles (0.00025%); highest among the groups gnomAD compares: Non-Finnish European, 0.00034%; no homozygotes.

Submission:

Ambry Genetics
Classification: Uncertain significance for Inborn genetic diseases. Last evaluated: 2025-02-18. Review status: criteria provided, single submitter. Criteria: Ambry Variant Classification Scheme 2023. Collection method: clinical testing. Allele origin: germline.
Comment: The p.D1682Y variant (also known as c.5044G>T), located in coding exon 20 of the FANCM gene, results from a G to T substitution at nucleotide position 5044. The aspartic acid at codon 1682 is replaced by tyrosine, an amino acid with highly dissimilar properties. This amino acid position is conserved. In addition, this alteration is predicted to be tolerated by in silico analysis. Based on the available evidence, the clinical significance of this variant remains unclear.